The following is an entry in ClinVar:

ClinVar aggregate classification (germline): Uncertain significance (1 of 4 stars; one submission).

Submission:

Ambry Genetics
Classification: Uncertain significance. Last evaluated: 2021-10-05. Review status: criteria provided, single submitter. Criteria: Ambry Variant Classification Scheme 2023. Collection method: clinical testing. Allele origin: germline.
Comment: The p.N2831D variant (also known as c.8491A>G), located in coding exon 62 of the PRKDC gene, results from an A to G substitution at nucleotide position 8491. The asparagine at codon 2831 is replaced by aspartic acid, an amino acid with highly similar properties. This amino acid position is conserved. In addition, this alteration is predicted to be tolerated by in silico analysis. Since supporting evidence is limited at this time, the clinical significance of this alteration remains unclear.

NM_006904.7(PRKDC):c.8491A>G (p.Asn2831Asp)

Gene: PRKDC (protein kinase, DNA-activated, catalytic subunit; minus strand). Cytogenetic location: 8q11.21.
Variant type: single nucleotide variant.
Coding change: c.8491A>G on transcript NM_006904.7 (MANE Select); coding-DNA position 8491, A replaced by G.
Protein change: p.Asn2831Asp; replaces asparagine 2831 with aspartic acid.
Molecular consequence: missense variant.
Genome position (GRCh38, 1-based): chr8:47,828,254, T>C on the plus strand (A>G on the coding strand, the complement: PRKDC is on the minus strand). VCF-style: chr8-47828254-T-C. GRCh37 (hg19) VCF-style: chr8-48740815-T-C.
Other names: c.8491A>G, p.Asn2831Asp (NM_001081640.2); short protein forms N2831D.
Identifiers: ClinVar variation 1763582 (VCV001763582.2), dbSNP rs2551866351, ClinGen allele CA371144475.